The following is an entry in ClinVar:

ClinVar aggregate classification (germline): Uncertain significance. Review status: criteria provided, multiple submitters, no conflicts (2 of 4 stars). 5 submissions from 5 submitters: Uncertain significance (5). Last evaluated 2026-03-10.

Conditions:
Cardiovascular phenotype. Identifiers: MedGen CN230736.
Brugada syndrome 8 (BRGDA8). Identifiers: Orphanet 130, MedGen C2751083, MONDO:0013148, OMIM 613123.

Allele frequency attached by ClinVar (database versions not stated): gnomAD 0.00002 and 0.00001; ESP Exome Variant Server 0.00008; gnomAD exomes below 0.00001; TOPMed 0.00001; ExAC 0.00002.
gnomAD v4.1: 26 of 1,613,896 alleles (0.0016%); highest among the groups gnomAD compares: Non-Finnish European, 0.0019%; no homozygotes.

Submissions (5):

Ambry Genetics
Classification: Uncertain significance for Cardiovascular phenotype. Last evaluated: 2026-03-10. Review status: criteria provided, single submitter. Criteria: Ambry Variant Classification Scheme 2023. Collection method: clinical testing. Allele origin: germline.

Labcorp Genetics (formerly Invitae), Labcorp
Classification: Uncertain significance for Brugada syndrome 8. Last evaluated: 2026-02-02. Review status: criteria provided, single submitter. Criteria: Invitae Variant Classification Sherloc (09022015). Collection method: clinical testing. Allele origin: germline.
Comment: This sequence change replaces alanine, which is neutral and non-polar, with threonine, which is neutral and polar, at codon 468 of the HCN4 protein (p.Ala468Thr). This variant is present in population databases (rs372632530, gnomAD 0.003%). This variant has not been reported in the literature in individuals affected with HCN4-related conditions. ClinVar contains an entry for this variant (Variation ID: 635242). Invitae Evidence Modeling of protein sequence and biophysical properties (such as structural, functional, and spatial information, amino acid conservation, physicochemical variation, residue mobility, and thermodynamic stability) indicates that this missense variant is expected to disrupt HCN4 protein function with a positive predictive value of 95%. In summary, the available evidence is currently insufficient to determine the role of this variant in disease. Therefore, it has been classified as a Variant of Uncertain Significance.

GeneDx
Classification: Uncertain significance. Last evaluated: 2021-10-12. Review status: criteria provided, single submitter. Criteria: GeneDx Variant Classification Process June 2021. Collection method: clinical testing. Allele origin: germline. Affected: yes.
Comment: Has not been previously published as pathogenic or benign to our knowledge; Not observed at a significant frequency in large population cohorts (Lek et al., 2016); In silico analysis supports that this missense variant has a deleterious effect on protein structure/function; Reported in ClinVar as a variant of uncertain significance (ClinVar Variant ID# 635242; Landrum et al., 2016)

AiLife Diagnostics
Classification: Uncertain significance. Last evaluated: 2021-09-11. Review status: criteria provided, single submitter. Criteria: ACMG Guidelines, 2015. Collection method: clinical testing. Allele origin: germline. Affected: yes. Observed: 1 variant allele.

Stanford Center for Inherited Cardiovascular Disease, Stanford University
Classification: Uncertain significance. Last evaluated: 2017-03-01. Review status: criteria provided, single submitter. Criteria: ACMG Guidelines, 2015. Collection method: provider interpretation. Allele origin: germline.

NM_005477.3(HCN4):c.1402G>A (p.Ala468Thr)

Gene: HCN4 (hyperpolarization activated cyclic nucleotide gated potassium channel 4; minus strand). Cytogenetic location: 15q24.1.
Variant type: single nucleotide variant.
Coding change: c.1402G>A on transcript NM_005477.3 (MANE Select); coding-DNA position 1402, G replaced by A.
Protein change: p.Ala468Thr; replaces alanine 468 with threonine.
Molecular consequence: missense variant.
Genome position (GRCh38, 1-based): chr15:73,329,761, C>T on the plus strand (G>A on the coding strand, the complement: HCN4 is on the minus strand). VCF-style: chr15-73329761-C-T. GRCh37 (hg19) VCF-style: chr15-73622102-C-T.
Other names: short protein forms A468T.
Identifiers: ClinVar variation 635242 (VCV000635242.18), dbSNP rs372632530, ClinGen allele CA7649298.